The following is an entry in ClinVar:

NM_018975.4(TERF2IP):c.1190G>A (p.Arg397Gln)

Gene: TERF2IP (TERF2 interacting protein; plus strand). Cytogenetic location: 16q23.1.
Variant type: single nucleotide variant.
Coding change: c.1190G>A on transcript NM_018975.4 (MANE Select); coding-DNA position 1190, G replaced by A.
Protein change: p.Arg397Gln; replaces arginine 397 with glutamine.
Molecular consequence: missense variant. On other transcripts: non-coding transcript variant (1).
Genome position (GRCh38, 1-based): chr16:75,656,601, G>A. VCF-style: chr16-75656601-G-A. GRCh37 (hg19) VCF-style: chr16-75690499-G-A.
Other names: short protein forms R397Q.
Identifiers: ClinVar variation 1744769 (VCV001744769.6), dbSNP rs367571165, ClinGen allele CA8178183.

ClinVar aggregate classification (germline): Uncertain significance. Review status: criteria provided, multiple submitters, no conflicts (2 of 4 stars). 2 submissions from 2 submitters: Uncertain significance (2). Last evaluated 2025-06-04.

Allele frequency attached by ClinVar (database versions not stated): ExAC 0.00002; ESP Exome Variant Server 0.00008; TOPMed 0.00002.

Submissions (2):

Labcorp Genetics (formerly Invitae), Labcorp
Classification: Uncertain significance. Last evaluated: 2025-06-04. Review status: criteria provided, single submitter. Criteria: Invitae Variant Classification Sherloc (09022015). Collection method: clinical testing. Allele origin: germline.
Comment: This sequence change replaces arginine, which is basic and polar, with glutamine, which is neutral and polar, at codon 397 of the TERF2IP protein (p.Arg397Gln). This variant is present in population databases (rs367571165, gnomAD 0.008%). This variant has not been reported in the literature in individuals affected with TERF2IP-related conditions. ClinVar contains an entry for this variant (Variation ID: 1744769). An algorithm developed to predict the effect of missense changes on protein structure and function (PolyPhen-2) suggests that this variant is likely to be disruptive. In summary, the available evidence is currently insufficient to determine the role of this variant in disease. Therefore, it has been classified as a Variant of Uncertain Significance.

Ambry Genetics
Classification: Uncertain significance. Last evaluated: 2024-07-10. Review status: criteria provided, single submitter. Criteria: Ambry Variant Classification Scheme 2023. Collection method: clinical testing. Allele origin: germline.